The following is an entry in ClinVar:

ClinVar aggregate classification (germline): Uncertain significance (1 of 4 stars; one submission).

Submission:

Labcorp Genetics (formerly Invitae), Labcorp
Classification: Uncertain significance. Last evaluated: 2025-10-01. Review status: criteria provided, single submitter. Criteria: Invitae Variant Classification Sherloc (09022015). Collection method: clinical testing. Allele origin: germline.
Comment: This variant, c.610_612dup, results in the insertion of 1 amino acid(s) of the PSMB4 protein (p.Val204dup), but otherwise preserves the integrity of the reading frame. This variant is not present in population databases (gnomAD no frequency). This variant has not been reported in the literature in individuals affected with PSMB4-related conditions. ClinVar contains an entry for this variant (Variation ID: 2762987). In summary, the available evidence is currently insufficient to determine the role of this variant in disease. Therefore, it has been classified as a Variant of Uncertain Significance.

NM_002796.3(PSMB4):c.610_612dup (p.Val204_Leu205insVal)

Gene: PSMB4 (proteasome 20S subunit beta 4; plus strand). Cytogenetic location: 1q21.3.
Variant type: Duplication.
Coding change: c.610_612dup on transcript NM_002796.3 (MANE Select); coding-DNA positions 610 to 612, 3 bases duplicated (GTG; older notation c.610_612dupGTG).
Protein change: p.Val204_Leu205insVal.
Molecular consequence: inframe insertion.
Genome position (GRCh38, 1-based): chr1:151,401,272-151,401,274, GTG duplicated. VCF-style (leftmost placement, unchanged base first): chr1-151401271-A-AGTG. GRCh37 (hg19) VCF-style: chr1-151373747-A-AGTG.
Identifiers: ClinVar variation 2762987 (VCV002762987.3), dbSNP rs2529160140, ClinGen allele CA2697554544.